The following is an entry in ClinVar:

NM_003737.4(DCHS1):c.3032C>T (p.Ser1011Leu)

Gene: DCHS1 (dachsous cadherin-related 1; minus strand). Cytogenetic location: 11p15.4.
Variant type: single nucleotide variant.
Coding change: c.3032C>T on transcript NM_003737.4 (MANE Select); coding-DNA position 3032, C replaced by T.
Protein change: p.Ser1011Leu; replaces serine 1011 with leucine.
Molecular consequence: missense variant.
Genome position (GRCh38, 1-based): chr11:6,632,480, G>A on the plus strand (C>T on the coding strand, the complement: DCHS1 is on the minus strand). VCF-style: chr11-6632480-G-A. GRCh37 (hg19) VCF-style: chr11-6653711-G-A.
Other names: short protein forms S1011L.
Identifiers: ClinVar variation 1311497 (VCV001311497.2), dbSNP rs2134630685, ClinGen allele CA379417639.

ClinVar aggregate classification (germline): Uncertain significance (1 of 4 stars; one submission).

Allele frequency attached by ClinVar (database versions not stated): gnomAD exomes below 0.00001.
gnomAD v4.1: 1 of 1,586,084 alleles (0.000063%); highest among the groups gnomAD compares: Non-Finnish European, 0.000086%; no homozygotes.

Submission:

GeneDx
Classification: Uncertain significance. Last evaluated: 2020-01-14. Review status: criteria provided, single submitter. Criteria: GeneDx Variant Classification Process June 2021. Collection method: clinical testing. Allele origin: germline. Affected: yes.
Comment: Has not been previously published as pathogenic or benign to our knowledge; Not observed in large population cohorts (Lek et al., 2016); In silico analysis, which includes protein predictors and evolutionary conservation, supports a deleterious effect